The following is an entry in ClinVar:

ClinVar aggregate classification (germline): Uncertain significance (1 of 4 stars; one submission).

Conditions:
Duane retraction syndrome 3 with or without deafness (DURS3). Also called: Duane syndrome type 3; DUANE RETRACTION SYNDROME 3. Identifiers: Orphanet 233, MedGen C4310752, MONDO:0014880, OMIM 617041.

Submission:

MVZ Medizinische Genetik Mainz
Classification: Uncertain significance for Duane retraction syndrome 3 with or without deafness. Last evaluated: 2026-05-13. Review status: criteria provided, single submitter. Criteria: UK Practice Guidelines For Variant Classification V4 01 2020. Collection method: clinical testing. Allele origin: germline. Inheritance: Autosomal dominant inheritance. Affected: yes. Observed: 1 variant allele.
Comment: ACMG Criteria: PP4_MOD,PM2_SUP

NM_005461.5(MAFB):c.799G>A (p.Glu267Lys)

Gene: MAFB (MAF bZIP transcription factor B; minus strand). Cytogenetic location: 20q12.
Variant type: single nucleotide variant.
Coding change: c.799G>A on transcript NM_005461.5 (MANE Select); coding-DNA position 799, G replaced by A.
Protein change: p.Glu267Lys; replaces glutamic acid 267 with lysine.
Molecular consequence: missense variant.
Genome position (GRCh38, 1-based): chr20:40,688,052, C>T on the plus strand (G>A on the coding strand, the complement: MAFB is on the minus strand). VCF-style: chr20-40688052-C-T. GRCh37 (hg19) VCF-style: chr20-39316692-C-T.
Other names: short protein forms E267K.
Identifiers: ClinVar variation 4852346 (VCV004852346.1).